The following is an entry in ClinVar:

NM_031935.3(HMCN1):c.7867C>A (p.Arg2623Ser)

Gene: HMCN1 (hemicentin 1; plus strand). Cytogenetic location: 1q31.1.
Variant type: single nucleotide variant.
Coding change: c.7867C>A on transcript NM_031935.3 (MANE Select); coding-DNA position 7867, C replaced by A.
Protein change: p.Arg2623Ser; replaces arginine 2623 with serine.
Molecular consequence: missense variant.
Genome position (GRCh38, 1-based): chr1:186,067,995, C>A. VCF-style: chr1-186067995-C-A. GRCh37 (hg19) VCF-style: chr1-186037127-C-A.
Other names: short protein forms R2623S.
Identifiers: ClinVar variation 1416395 (VCV001416395.6), dbSNP rs564245563, ClinGen allele CA343908724.

ClinVar aggregate classification (germline): Uncertain significance (1 of 4 stars; one submission).

gnomAD v4.1: 3 of 1,612,886 alleles (0.00019%); highest among the groups gnomAD compares: Non-Finnish European, 0.00025%; no homozygotes.

Submission:

Labcorp Genetics (formerly Invitae), Labcorp
Classification: Uncertain significance. Last evaluated: 2022-03-25. Review status: criteria provided, single submitter. Criteria: Invitae Variant Classification Sherloc (09022015). Collection method: clinical testing. Allele origin: germline.
Comment: This sequence change replaces arginine, which is basic and polar, with serine, which is neutral and polar, at codon 2623 of the HMCN1 protein (p.Arg2623Ser). In summary, the available evidence is currently insufficient to determine the role of this variant in disease. Therefore, it has been classified as a Variant of Uncertain Significance. Algorithms developed to predict the effect of missense changes on protein structure and function (SIFT, PolyPhen-2, Align-GVGD) all suggest that this variant is likely to be disruptive. This variant has not been reported in the literature in individuals affected with HMCN1-related conditions. This variant is not present in population databases (gnomAD no frequency).